The following is an entry in ClinVar:

NM_000026.4(ADSL):c.1191+9C>T

Gene: ADSL (adenylosuccinate lyase; plus strand). Cytogenetic location: 22q13.1.
Variant type: single nucleotide variant.
Coding change: c.1191+9C>T on transcript NM_000026.4 (MANE Select); 9 bases into the intron after coding-DNA position 1191, C replaced by T.
Molecular consequence: intron variant.
Genome position (GRCh38, 1-based): chr22:40,364,374, C>T. VCF-style: chr22-40364374-C-T. GRCh37 (hg19) VCF-style: chr22-40760378-C-T.
Other names: c.1191+9C>T (NM_001363840.3, NM_001123378.3, NM_000026.3); c.999+9C>T (NM_001317923.2).
Identifiers: ClinVar variation 386442 (VCV000386442.15), dbSNP rs371706528, ClinGen allele CA10247942.

ClinVar aggregate classification (germline): Likely benign. Review status: criteria provided, multiple submitters, no conflicts (2 of 4 stars). 3 submissions from 3 submitters: Likely benign (2). 1 of the submissions does not count toward it. Last evaluated 2026-01-19.

Conditions:
Adenylosuccinate lyase deficiency (ADSLD). Also called: ADSL DEFICIENCY. Identifiers: Orphanet 46, MedGen C0268126, MONDO:0007068, OMIM 103050.
ADSL-related disorder. Also called: ADSL-related condition.

Allele frequency attached by ClinVar (database versions not stated): gnomAD exomes 0.00004 and 0.00008; ExAC 0.00013; 1000 Genomes Project 30x 0.00031; ESP Exome Variant Server 0.00031; 1000 Genomes Project 0.00040; gnomAD 0.00044 and 0.00047; TOPMed 0.00056.
gnomAD v4.1: 119 of 1,612,394 alleles (0.0074%); highest among the groups gnomAD compares: African/African-American, 0.15%; no homozygotes.

Submissions (3):

Labcorp Genetics (formerly Invitae), Labcorp
Classification: Likely benign for Adenylosuccinate lyase deficiency. Last evaluated: 2026-01-19. Review status: criteria provided, single submitter. Criteria: Invitae Variant Classification Sherloc (09022015). Collection method: clinical testing. Allele origin: germline.

GeneDx
Classification: Likely benign. Last evaluated: 2018-05-25. Review status: criteria provided, single submitter. Criteria: GeneDx Variant Classification Process June 2021. Collection method: clinical testing. Allele origin: germline. Affected: yes.

PreventionGenetics, part of Exact Sciences
Classification: Likely benign for ADSL-related condition. Last evaluated: 2024-07-18. Review status: no assertion criteria provided. Collection method: clinical testing. Allele origin: germline. Not counted in ClinVar's aggregate classification.
Comment: This variant is classified as likely benign based on ACMG/AMP sequence variant interpretation guidelines (Richards et al. 2015 PMID: 25741868, with internal and published modifications).